The following is an entry in ClinVar:

ClinVar aggregate classification (germline): Pathogenic (1 of 4 stars; one submission).

Allele frequency attached by ClinVar (database versions not stated): ExAC 0.00001; gnomAD 0.00001; gnomAD exomes 0.00002 and 0.00005; TOPMed 0.00002; 1000 Genomes Project 30x 0.00016; 1000 Genomes Project 0.00020.

Submission:

GeneDx
Classification: Pathogenic. Last evaluated: 2021-03-01. Review status: criteria provided, single submitter. Criteria: GeneDx Variant Classification Process June 2021. Collection method: clinical testing. Allele origin: germline. Affected: yes.
Comment: Canonical splice site variant in a gene for which loss-of-function is a known mechanism of disease; Not observed at a significant frequency in large population cohorts (Lek et al., 2016); Has not been previously published as pathogenic or benign to our knowledge

NM_024876.4(COQ8B):c.893+1G>T

Gene: COQ8B (coenzyme Q8B; minus strand). Cytogenetic location: 19q13.2.
Variant type: single nucleotide variant.
Coding change: c.893+1G>T on transcript NM_024876.4 (MANE Select); the canonical splice donor site of the intron after coding-DNA position 893, G replaced by T.
Molecular consequence: splice donor variant.
Genome position (GRCh38, 1-based): chr19:40,702,599, C>A on the plus strand (G>T on the coding strand, the complement: COQ8B is on the minus strand). VCF-style: chr19-40702599-C-A. GRCh37 (hg19) VCF-style: chr19-41208504-C-A.
Other names: c.770+1G>T (NM_001142555.3).
Identifiers: ClinVar variation 1032201 (VCV001032201.3), dbSNP rs190695126, ClinGen allele CA9450234.
Genomic context (GRCh38, chr19:40,702,599, plus strand): 5'-AGCTACTTCCCACCCAGCCTGGGAGGGAGGGAAGGAGGGAAGCTCAGGGCACTCAGCTCA[C>A]CTGAAATTCTGGGCACAAGCCGCCTCACGACGGTAGTCACACTCCCAAGCCAGCTCCTGC-3'